The following is an entry in ClinVar:

NM_000293.3(PHKB):c.2581A>G (p.Ile861Val)

Gene: PHKB (phosphorylase kinase regulatory subunit beta; plus strand). Cytogenetic location: 16q12.1.
Variant type: single nucleotide variant.
Coding change: c.2581A>G on transcript NM_000293.3 (MANE Select); coding-DNA position 2581, A replaced by G.
Protein change: p.Ile861Val; replaces isoleucine 861 with valine.
Molecular consequence: missense variant.
Genome position (GRCh38, 1-based): chr16:47,669,368, A>G. VCF-style: chr16-47669368-A-G. GRCh37 (hg19) VCF-style: chr16-47703279-A-G.
Other names: c.2560A>G, p.Ile854Val (NM_001031835.3); c.2581A>G, p.Ile861Val (NM_001363837.1); short protein forms I861V, I854V.
Identifiers: ClinVar variation 1979090 (VCV001979090.2), dbSNP rs781008493, ClinGen allele CA8041276.

ClinVar aggregate classification (germline): Uncertain significance. Review status: criteria provided, multiple submitters, no conflicts (2 of 4 stars). 2 submissions from 2 submitters: Uncertain significance (2). Last evaluated 2025-05-14.

Conditions:
Glycogen storage disease IXb (GSD9B). Also called: PHOSPHORYLASE KINASE DEFICIENCY OF LIVER AND MUSCLE, AUTOSOMAL RECESSIVE; GLYCOGENOSIS OF LIVER AND MUSCLE, AUTOSOMAL RECESSIVE; GSD IXb. Identifiers: Orphanet 79240, MedGen C0543514, MONDO:0009868, OMIM 261750.

Allele frequency attached by ClinVar (database versions not stated): TOPMed 0.00001; gnomAD exomes 0.00002; ExAC 0.00003; gnomAD 0.00003.
gnomAD v4.1: 15 of 1,614,088 alleles (0.00093%); highest among the groups gnomAD compares: African/African-American, 0.0013%; no homozygotes.

Submissions (2):

Women's Health and Genetics/Laboratory Corporation of America, LabCorp
Classification: Uncertain significance. Last evaluated: 2025-05-14. Review status: criteria provided, single submitter. Criteria: LabCorp Variant Classification Summary - May 2015. Collection method: clinical testing. Allele origin: germline.
Comment: Variant summary: PHKB c.2581A>G (p.Ile861Val) results in a conservative amino acid change in the encoded protein sequence. Algorithms developed to predict the effect of missense changes on protein structure and function are either unavailable or do not agree on the potential impact of this missense change. The variant allele was found at a frequency of 1.6e-05 in 251244 control chromosomes. The available data on variant occurrences in the general population are insufficient to allow any conclusion about variant significance. c.2581A>G has been observed in at least one individual affected with Glycogen Phosphorylase Kinase Deficiency (Barbosa-Gouveia_2021). These data do not allow any conclusion about variant significance. To our knowledge, no experimental evidence demonstrating an impact on protein function has been reported. The following publication have been ascertained in the context of this evaluation (PMID: 34440436). ClinVar contains an entry for this variant (Variation ID: 1979090). Based on the evidence outlined above, the variant was classified as uncertain significance.

Labcorp Genetics (formerly Invitae), Labcorp
Classification: Uncertain significance for Glycogen storage disease IXb. Last evaluated: 2022-03-19. Review status: criteria provided, single submitter. Criteria: Invitae Variant Classification Sherloc (09022015). Collection method: clinical testing. Allele origin: germline.
Comment: This sequence change replaces isoleucine, which is neutral and non-polar, with valine, which is neutral and non-polar, at codon 861 of the PHKB protein (p.Ile861Val). This variant is present in population databases (rs781008493, gnomAD 0.009%). This variant has not been reported in the literature in individuals affected with PHKB-related conditions. Algorithms developed to predict the effect of missense changes on protein structure and function are either unavailable or do not agree on the potential impact of this missense change (SIFT: "Tolerated"; PolyPhen-2: "Probably Damaging"; Align-GVGD: "Class C0"). In summary, the available evidence is currently insufficient to determine the role of this variant in disease. Therefore, it has been classified as a Variant of Uncertain Significance.

Literature cited by the submitters: PubMed 34440436 (cited by Women's Health and Genetics/Laboratory Corporation of America, LabCorp).